The following is an entry in ClinVar:

NM_001904.4(CTNNB1):c.611A>T (p.Asn204Ile)

Genes: CTNNB1 (catenin beta 1; plus strand), LOC126806658 (BRD4-independent group 4 enhancer GRCh37_chr3:41265899-41267098; plus strand). Cytogenetic location: 3p22.1.
Variant type: single nucleotide variant.
Coding change: c.611A>T on transcript NM_001904.4 (MANE Select); coding-DNA position 611, A replaced by T.
Protein change: p.Asn204Ile; replaces asparagine 204 with isoleucine.
Molecular consequence: missense variant.
Genome position (GRCh38, 1-based): chr3:41,225,449, A>T. VCF-style: chr3-41225449-A-T. GRCh37 (hg19) VCF-style: chr3-41266940-A-T.
Other names: c.611A>T, p.Asn204Ile (NM_001098209.2, NM_001098210.2); c.590A>T, p.Asn197Ile (NM_001330729.2); short protein forms N197I, N204I.
Identifiers: ClinVar variation 3631523 (VCV003631523.2).

ClinVar aggregate classification (germline): Uncertain significance (1 of 4 stars; one submission).

Submission:

Labcorp Genetics (formerly Invitae), Labcorp
Classification: Uncertain significance. Last evaluated: 2025-02-03. Review status: criteria provided, single submitter. Criteria: Invitae Variant Classification Sherloc (09022015). Collection method: clinical testing. Allele origin: germline.
Comment: This sequence change replaces asparagine, which is neutral and polar, with isoleucine, which is neutral and non-polar, at codon 204 of the CTNNB1 protein (p.Asn204Ile). This variant is not present in population databases (gnomAD no frequency). This variant has not been reported in the literature in individuals affected with CTNNB1-related conditions. Invitae Evidence Modeling of protein sequence and biophysical properties (such as structural, functional, and spatial information, amino acid conservation, physicochemical variation, residue mobility, and thermodynamic stability) indicates that this missense variant is not expected to disrupt CTNNB1 protein function with a negative predictive value of 80%. In summary, the available evidence is currently insufficient to determine the role of this variant in disease. Therefore, it has been classified as a Variant of Uncertain Significance.